The following is an entry in ClinVar:

NM_000032.5(ALAS2):c.1123C>G (p.Arg375Gly)

Gene: ALAS2 (5'-aminolevulinate synthase 2; minus strand). Cytogenetic location: Xp11.21.
Variant type: single nucleotide variant.
Coding change: c.1123C>G on transcript NM_000032.5 (MANE Select); coding-DNA position 1123, C replaced by G.
Protein change: p.Arg375Gly; replaces arginine 375 with glycine.
Molecular consequence: missense variant.
Genome position (GRCh38, 1-based): chrX:55,015,623, G>C on the plus strand (C>G on the coding strand, the complement: ALAS2 is on the minus strand). VCF-style: chrX-55015623-G-C. GRCh37 (hg19) VCF-style: chrX-55042056-G-C.
Other names: c.1012C>G, p.Arg338Gly (NM_001037967.4); c.1084C>G, p.Arg362Gly (NM_001037968.4); short protein forms R375G, R338G, R362G.
Identifiers: ClinVar variation 3634938 (VCV003634938.2).

ClinVar aggregate classification (germline): Uncertain significance (1 of 4 stars; one submission).

Submission:

Labcorp Genetics (formerly Invitae), Labcorp
Classification: Uncertain significance. Last evaluated: 2024-08-06. Review status: criteria provided, single submitter. Criteria: Invitae Variant Classification Sherloc (09022015). Collection method: clinical testing. Allele origin: germline.
Comment: This sequence change replaces arginine, which is basic and polar, with glycine, which is neutral and non-polar, at codon 375 of the ALAS2 protein (p.Arg375Gly). This variant is not present in population databases (gnomAD no frequency). This variant has not been reported in the literature in individuals affected with ALAS2-related conditions. Advanced modeling of protein sequence and biophysical properties (such as structural, functional, and spatial information, amino acid conservation, physicochemical variation, residue mobility, and thermodynamic stability) has been performed at Invitae for this missense variant, however the output from this modeling did not meet the statistical confidence thresholds required to predict the impact of this variant on ALAS2 protein function. In summary, the available evidence is currently insufficient to determine the role of this variant in disease. Therefore, it has been classified as a Variant of Uncertain Significance.